The following is an entry in ClinVar:

ClinVar aggregate classification (germline): Pathogenic/Likely pathogenic. Review status: criteria provided, multiple submitters, no conflicts (2 of 4 stars). 3 submissions from 3 submitters: Pathogenic (1); Likely pathogenic (1). 1 of the submissions does not count toward it. Last evaluated 2024-05-28.

Conditions:
Cardiovascular phenotype. Identifiers: MedGen CN230736.
Familial long QT syndrome (RWS). Also called: Congenital long QT syndrome; Romano-Ward syndrome; VENTRICULAR FIBRILLATION WITH PROLONGED QT INTERVAL. Identifiers: Orphanet 768, MedGen C1141890, MONDO:0019171.
Long QT syndrome (LQTS). Identifiers: MedGen C0023976, MeSH D008133, MONDO:0002442. Disease mechanism: loss of function. Inheritance: Various modes of inheritance.

Submissions (3):

Labcorp Genetics (formerly Invitae), Labcorp
Classification: Likely pathogenic for Long QT syndrome. Last evaluated: 2024-05-28. Review status: criteria provided, single submitter. Criteria: Invitae Variant Classification Sherloc (09022015). Collection method: clinical testing. Allele origin: germline.
Comment: This sequence change replaces glycine, which is neutral and non-polar, with arginine, which is basic and polar, at codon 314 of the KCNQ1 protein (p.Gly314Arg). This variant is not present in population databases (gnomAD no frequency). This missense change has been observed in individual(s) with long QT syndrome (PMID: 15840476). ClinVar contains an entry for this variant (Variation ID: 53136). Advanced modeling of protein sequence and biophysical properties (such as structural, functional, and spatial information, amino acid conservation, physicochemical variation, residue mobility, and thermodynamic stability) performed at Invitae indicates that this missense variant is expected to disrupt KCNQ1 protein function with a positive predictive value of 95%. This variant disrupts the p.Gly314 amino acid residue in KCNQ1. Other variant(s) that disrupt this residue have been determined to be pathogenic (PMID: 8872472, 9799083, 16922724, 22727609, 22949429). This suggests that this residue is clinically significant, and that variants that disrupt this residue are likely to be disease-causing. In summary, the currently available evidence indicates that the variant is pathogenic, but additional data are needed to prove that conclusively. Therefore, this variant has been classified as Likely Pathogenic.

Ambry Genetics
Classification: Pathogenic for Cardiovascular phenotype. Last evaluated: 2021-03-19. Review status: criteria provided, single submitter. Criteria: Ambry Variant Classification Scheme 2023. Collection method: clinical testing. Allele origin: germline.
Comment: The p.G314R pathogenic mutation (also known as c.940G>C), located in coding exon 7 of the KCNQ1 gene, results from a G to C substitution at nucleotide position 940. The glycine at codon 314 is replaced by arginine, an amino acid with dissimilar properties, and is located in the ion selectivity filter (GYGD) motif of the intramembrane pore-forming region between transmembrane helices S5 and S6. This alteration has been reported in a cohort submitted for long QT syndrome (LQTS) molecular genetic testing; however, clinical details were limited (Tester DJ et al. Heart Rhythm, 2005 May;2:507-17). Several alterations impacting this codon have been identified in multiple patients with LQTS, and one (p.G314S, c.940G>A) has been reported to co-segregate with disease in multiple families and has demonstrated significantly reduced IKs current density in heterologous expression studies (Russell MW et al. Hum. Mol. Genet., 1996 Sep;5:1319-24; Chouabe C et al. EMBO J., 1997 Sep;16:5472-9). Based on the supporting evidence, this alteration is interpreted as a disease-causing mutation.

Cardiovascular Biomedical Research Unit, Royal Brompton & Harefield NHS Foundation Trust
No classification provided. Condition: Familial long QT syndrome. Review status: no classification provided. Collection method: literature only. Allele origin: germline. Not counted in ClinVar's aggregate classification.
Comment: This variant has been reported as associated with Long QT syndrome in the following publications (PMID:15840476). This is a literature report, and does not necessarily reflect the clinical interpretation of the Imperial College / Royal Brompton Cardiovascular Genetics laboratory.

Literature cited by the submitters: PubMed 15840476 (cited by 3 submitters); PubMed 8872472 (cited by Labcorp Genetics (formerly Invitae), Labcorp and Ambry Genetics); PubMed 9799083 (cited by Labcorp Genetics (formerly Invitae), Labcorp); PubMed 16922724 (cited by Labcorp Genetics (formerly Invitae), Labcorp); PubMed 22727609 (cited by Labcorp Genetics (formerly Invitae), Labcorp); PubMed 22949429 (cited by Labcorp Genetics (formerly Invitae), Labcorp); PubMed 9312006 (cited by Ambry Genetics); PubMed 22581653 (cited by Cardiovascular Biomedical Research Unit, Royal Brompton & Harefield NHS Foundation Trust).

NM_000218.3(KCNQ1):c.940G>C (p.Gly314Arg)

Gene: KCNQ1 (potassium voltage-gated channel subfamily Q member 1; plus strand). Cytogenetic location: 11p15.5.
Variant type: single nucleotide variant.
Coding change: c.940G>C on transcript NM_000218.3 (MANE Select); coding-DNA position 940, G replaced by C.
Protein change: p.Gly314Arg; replaces glycine 314 with arginine.
Molecular consequence: missense variant.
Genome position (GRCh38, 1-based): chr11:2,583,453, G>C. VCF-style: chr11-2583453-G-C. GRCh37 (hg19) VCF-style: chr11-2604683-G-C.
Other names: c.940G>C (LRG_287t1); c.940G>C, p.Gly314Arg (NM_001406836.1); c.670G>C, p.Gly224Arg (NM_001406837.1); c.496G>C, p.Gly166Arg (NM_001406838.1); c.559G>C, p.Gly187Arg (NM_181798.2); short protein forms G314R, G187R, G166R, G224R.
Identifiers: ClinVar variation 53136 (VCV000053136.9), dbSNP rs120074184, ClinGen allele CA008777.